The following is an entry in ClinVar:

NM_003384.3(VRK1):c.1159+43C>G

Gene: VRK1 (VRK serine/threonine kinase 1; plus strand). Cytogenetic location: 14q32.2.
Variant type: single nucleotide variant.
Coding change: c.1159+43C>G on transcript NM_003384.3 (MANE Select); 43 bases into the intron after coding-DNA position 1159, C replaced by G.
Molecular consequence: intron variant.
Genome position (GRCh38, 1-based): chr14:96,876,163, C>G. VCF-style: chr14-96876163-C-G. GRCh37 (hg19) VCF-style: chr14-97342500-C-G.
Identifiers: ClinVar variation 675687 (VCV000675687.6), dbSNP rs45457797, ClinGen allele CA7339209.
Genomic context (GRCh38, chr14:96,876,163, plus strand): 5'-AGGAGGCCATACAGACCCGTAAGTTGAACAGTTTTGCCTAGCTGCTTTCATAGGTAAACA[C>G]AAATTTCATTTCCTCCCATTAGATGAGGGGTCAACTATTTGGGTCATGACCTTTTGATTT-3'

ClinVar aggregate classification (germline): Benign. Review status: criteria provided, multiple submitters, no conflicts (2 of 4 stars). 3 submissions from 3 submitters: Benign (3). Last evaluated 2021-07-10.

Conditions:
Pontocerebellar hypoplasia type 1A (PCH1A). Also called: PONTOCEREBELLAR HYPOPLASIA WITH ANTERIOR HORN CELL DISEASE; PONTOCEREBELLAR HYPOPLASIA WITH INFANTILE SPINAL MUSCULAR ATROPHY. Identifiers: Orphanet 2254, Orphanet 88616, MedGen C1843504, MONDO:0011866, OMIM 607596.

Allele frequency attached by ClinVar (database versions not stated): 1000 Genomes Project 0.04253; 1000 Genomes Project 30x 0.04325; TOPMed 0.08041; gnomAD 0.08295 and 0.08564; ExAC 0.08944; ESP Exome Variant Server 0.09526.
gnomAD v4.1: 178,640 of 1,590,980 alleles (11%); highest among the groups gnomAD compares: Non-Finnish European, 13%; 11,376 homozygotes.

Submissions (3):

Genome-Nilou Lab
Classification: Benign for Pontocerebellar hypoplasia type 1A. Last evaluated: 2021-07-10. Review status: criteria provided, single submitter. Criteria: ACMG Guidelines, 2015. Collection method: clinical testing. Allele origin: germline. Affected: no.

GeneDx
Classification: Benign. Last evaluated: 2018-06-14. Review status: criteria provided, single submitter. Criteria: GeneDx Variant Classification (06012015). Collection method: clinical testing. Allele origin: germline. Affected: yes.
Comment: This variant is considered likely benign or benign based on one or more of the following criteria: it is a conservative change, it occurs at a poorly conserved position in the protein, it is predicted to be benign by multiple in silico algorithms, and/or has population frequency not consistent with disease.

Breakthrough Genomics
Classification: Benign. Review status: criteria provided, single submitter. Criteria: ACMG Guidelines, 2015. Collection method: not provided. Allele origin: germline. Inheritance: Autosomal recessive inheritance. Affected: yes.